The following is an entry in ClinVar:

ClinVar aggregate classification (germline): Uncertain significance (1 of 4 stars; one submission).

Conditions:
Hereditary cancer-predisposing syndrome. Also called: Neoplastic Syndromes, Hereditary; Hereditary Cancer Syndrome; Hereditary neoplastic syndrome; Tumor predisposition. Identifiers: Orphanet 140162, MedGen C0027672, MeSH D009386, MONDO:0015356.

Submission:

Ambry Genetics
Classification: Uncertain significance for Hereditary cancer-predisposing syndrome. Last evaluated: 2023-05-25. Review status: criteria provided, single submitter. Criteria: Ambry Variant Classification Scheme 2023. Collection method: clinical testing. Allele origin: germline.
Comment: The p.V1725E variant (also known as c.5174T>A) is located in coding exon 39 of the POLE gene. The valine at codon 1725 is replaced by glutamic acid, an amino acid with dissimilar properties. This change occurs in the first base pair of coding exon 39. This amino acid position is conserved. In addition, the in silico prediction for this alteration is inconclusive. Since supporting evidence is limited at this time, the clinical significance of this alteration remains unclear.

NM_006231.4(POLE):c.5174T>A (p.Val1725Glu)

Gene: POLE (DNA polymerase epsilon, catalytic subunit; minus strand). Cytogenetic location: 12q24.33.
Variant type: single nucleotide variant.
Coding change: c.5174T>A on transcript NM_006231.4 (MANE Select); coding-DNA position 5174, T replaced by A.
Protein change: p.Val1725Glu; replaces valine 1725 with glutamic acid.
Molecular consequence: missense variant.
Genome position (GRCh38, 1-based): chr12:132,641,851, A>T on the plus strand (T>A on the coding strand, the complement: POLE is on the minus strand). VCF-style: chr12-132641851-A-T. GRCh37 (hg19) VCF-style: chr12-133218437-A-T.
Other names: short protein forms V1725E.
Identifiers: ClinVar variation 2561536 (VCV002561536.2), dbSNP rs1064796427, ClinGen allele CA387376543.